The following is an entry in ClinVar:

NM_001253697.2(ERBIN):c.4115G>C (p.Gly1372Ala)

Gene: ERBIN (erbb2 interacting protein; plus strand). Cytogenetic location: 5q12.3.
Variant type: single nucleotide variant.
Coding change: c.4115G>C on transcript NM_001253697.2 (MANE Select); coding-DNA position 4115, G replaced by C.
Protein change: p.Gly1372Ala; replaces glycine 1372 with alanine.
Molecular consequence: missense variant. On other transcripts: intron variant (1).
Genome position (GRCh38, 1-based): chr5:66,076,933, G>C. VCF-style: chr5-66076933-G-C. GRCh37 (hg19) VCF-style: chr5-65372761-G-C.
Other names: c.3785G>C, p.Gly1262Ala (NM_001006600.3); c.4136G>C, p.Gly1379Ala (NM_001253699.2); c.3980G>C, p.Gly1327Ala (NM_001253701.2); c.3992G>C, p.Gly1331Ala (NM_018695.4); c.3933+525G>C (NM_001253698.2); short protein forms G1379A, G1262A, G1327A, G1331A, G1372A.
Identifiers: ClinVar variation 3706668 (VCV003706668.2).

ClinVar aggregate classification (germline): Uncertain significance (1 of 4 stars; one submission).

Submission:

Labcorp Genetics (formerly Invitae), Labcorp
Classification: Uncertain significance. Last evaluated: 2024-09-11. Review status: criteria provided, single submitter. Criteria: Invitae Variant Classification Sherloc (09022015). Collection method: clinical testing. Allele origin: germline.
Comment: This sequence change replaces glycine, which is neutral and non-polar, with alanine, which is neutral and non-polar, at codon 1372 of the ERBIN protein (p.Gly1372Ala). This variant is not present in population databases (gnomAD no frequency). This variant has not been reported in the literature in individuals affected with ERBIN-related conditions. An algorithm developed to predict the effect of missense changes on protein structure and function (PolyPhen-2) suggests that this variant is likely to be disruptive. In summary, the available evidence is currently insufficient to determine the role of this variant in disease. Therefore, it has been classified as a Variant of Uncertain Significance.